The following is an entry in ClinVar:

NM_017617.5(NOTCH1):c.5920C>A (p.Gln1974Lys)

Gene: NOTCH1 (notch receptor 1; minus strand). Cytogenetic location: 9q34.3.
Variant type: single nucleotide variant.
Coding change: c.5920C>A on transcript NM_017617.5 (MANE Select); coding-DNA position 5920, C replaced by A.
Protein change: p.Gln1974Lys; replaces glutamine 1974 with lysine.
Molecular consequence: missense variant.
Genome position (GRCh38, 1-based): chr9:136,500,566, G>T on the plus strand (C>A on the coding strand, the complement: NOTCH1 is on the minus strand). VCF-style: chr9-136500566-G-T. GRCh37 (hg19) VCF-style: chr9-139395018-G-T.
Other names: short protein forms Q1974K.
Identifiers: ClinVar variation 2722586 (VCV002722586.3), dbSNP rs2133325460, ClinGen allele CA375636321.
Genomic context (GRCh38, chr9:136,500,566, plus strand): 5'-GCGGCCCTGAGGAGGGCAGGTGGGCACACAGGCAGCCACTGCCTACCTGGAAGACACCTT[G>T]TGCGTCGGCAGACACAGCCGCATGCAGCGGGGTGCGGCCCATGTTGTCCTGGATGTTGGC-3'
Protein context (NP_060087.3, residues 1964-1984): PLHAAVSADA[Gln1974Lys]GVFQILIRNR

ClinVar aggregate classification (germline): Uncertain significance (1 of 4 stars; one submission).

Conditions:
Adams-Oliver syndrome 5 (AOS5). Identifiers: Orphanet 974, MedGen C4014970, MONDO:0014459, OMIM 616028.

Submission:

Labcorp Genetics (formerly Invitae), Labcorp
Classification: Uncertain significance for Adams-Oliver syndrome 5. Last evaluated: 2023-05-22. Review status: criteria provided, single submitter. Criteria: Invitae Variant Classification Sherloc (09022015). Collection method: clinical testing. Allele origin: germline.
Comment: This variant is not present in population databases (gnomAD no frequency). This sequence change replaces glutamine, which is neutral and polar, with lysine, which is basic and polar, at codon 1974 of the NOTCH1 protein (p.Gln1974Lys). In summary, the available evidence is currently insufficient to determine the role of this variant in disease. Therefore, it has been classified as a Variant of Uncertain Significance. Advanced modeling of protein sequence and biophysical properties (such as structural, functional, and spatial information, amino acid conservation, physicochemical variation, residue mobility, and thermodynamic stability) has been performed at Invitae for this missense variant, however the output from this modeling did not meet the statistical confidence thresholds required to predict the impact of this variant on NOTCH1 protein function. This variant has not been reported in the literature in individuals affected with NOTCH1-related conditions.